The following is an entry in ClinVar:

ClinVar aggregate classification (germline): Conflicting classifications of pathogenicity. Review status: criteria provided, conflicting classifications (1 of 4 stars). 2 submissions from 2 submitters: Uncertain significance (1); Likely benign (1). Last evaluated 2025-03-19.

Conditions:
MAP1B-related disorder. Also called: MAP1B-related condition.

Allele frequency attached by ClinVar (database versions not stated): ExAC 0.00001; gnomAD exomes 0.00002; TOPMed 0.00003; gnomAD 0.00006.
gnomAD v4.1: 37 of 1,614,140 alleles (0.0023%); highest among the groups gnomAD compares: African/African-American, 0.008%; no homozygotes.

Submissions (2):

PreventionGenetics, part of Exact Sciences
Classification: Uncertain significance for MAP1B-related condition. Last evaluated: 2025-03-19. Review status: criteria provided, single submitter. Criteria: ACMG Guidelines, 2015. Collection method: clinical testing. Allele origin: germline.
Comment: The MAP1B c.2374G>A variant is predicted to result in the amino acid substitution p.Ala792Thr. To our knowledge, this variant has not been reported in the literature. This variant is reported in 0.0028% of alleles in individuals of Latino descent in gnomAD. At this time, the clinical significance of this variant is uncertain due to the absence of conclusive functional and genetic evidence.

CeGaT Center for Human Genetics Tuebingen
Classification: Likely benign. Last evaluated: 2023-06-01. Review status: criteria provided, single submitter. Criteria: CeGaT Center For Human Genetics Tuebingen Variant Classification Criteria Version 2. Collection method: clinical testing. Allele origin: germline. Affected: yes. Observed: 1 variant allele.
Comment: MAP1B: BP4

NM_005909.5(MAP1B):c.2374G>A (p.Ala792Thr)

Gene: MAP1B (microtubule associated protein 1B; plus strand). Cytogenetic location: 5q13.2.
Variant type: single nucleotide variant.
Coding change: c.2374G>A on transcript NM_005909.5 (MANE Select); coding-DNA position 2374, G replaced by A.
Protein change: p.Ala792Thr; replaces alanine 792 with threonine.
Molecular consequence: missense variant.
Genome position (GRCh38, 1-based): chr5:72,195,729, G>A. VCF-style: chr5-72195729-G-A. GRCh37 (hg19) VCF-style: chr5-71491556-G-A.
Other names: c.1996G>A, p.Ala666Thr (NM_001324255.2); c.2374G>A (NM_005909.4); short protein forms A666T, A792T.
Identifiers: ClinVar variation 2655514 (VCV002655514.25), dbSNP rs760050963, ClinGen allele CA3298809.